The following is an entry in ClinVar:

NM_000214.3(JAG1):c.2474dup (p.Ser826fs)

Gene: JAG1 (jagged canonical Notch ligand 1; minus strand). Cytogenetic location: 20p12.2.
Variant type: Duplication.
Coding change: c.2474dup on transcript NM_000214.3 (MANE Select); coding-DNA position 2474, one base duplicated (A; older notation c.2474dupA).
Protein change: p.Ser826fs; shifts the reading frame from serine 826.
Molecular consequence: frameshift variant.
Genome position (GRCh38, 1-based): chr20:10,642,586, T duplicated on the plus strand (A on the coding strand, the reverse complement: JAG1 is on the minus strand). VCF-style (leftmost placement, unchanged base first): chr20-10642585-C-CT. GRCh37 (hg19) VCF-style: chr20-10623233-C-CT.
Other names: short protein forms S826fs.
Identifiers: ClinVar variation 4886937 (VCV004886937.1).
Genomic context (GRCh38, chr20:10,642,585, plus strand): 5'-GACACACCGGTAGCCATTGATCTCATCCACACAGGTCGCTCCAAAGGCACAAGGTGAAGA[C>CT]TGGCATTCATTGATGTCTAGGAGAAATGGAGTTCAAGTTTAGGGACTGATGGTGTGTGGC-3'

ClinVar aggregate classification (germline): Likely pathogenic (1 of 4 stars; one submission).

Conditions:
Alagille syndrome due to a JAG1 point mutation. Also called: HEPATIC DUCTULAR HYPOPLASIA, SYNDROMATIC; Alagille Syndrome 1; JAG1-Related Alagille Syndrome. Identifiers: Orphanet 261619, Orphanet 52, MedGen C1956125, MONDO:0016862, OMIM 118450.

Submission:

Molecular Genetics Laboratory, CHU Lille
Classification: Likely pathogenic for Alagille syndrome due to a JAG1 point mutation. Last evaluated: 2026-08-19. Review status: criteria provided, single submitter. Criteria: ACMG Guidelines, 2015. Collection method: clinical testing. Allele origin: germline. Affected: yes.
Comment: This variant creates a premature translational stop signal (p.Ser826ValfsTer13), likely leading to an absent or disrupted protein product. Furthermore, it is absent from public databases including gnomAD. In summary, this variant meets the criteria to be classified as likely pathogenic for alagille syndrome based on the applied ACMG/AMP guidelines (PVS1, PM2),